The following is an entry in ClinVar:

ClinVar aggregate classification (germline): Uncertain significance (1 of 4 stars; one submission).

Conditions:
Cardiovascular phenotype. Identifiers: MedGen CN230736.

gnomAD v4.1: 1 of 1,551,640 alleles (0.000064%); highest among the groups gnomAD compares: Non-Finnish European, 0.000087%; no homozygotes.

Submission:

Ambry Genetics
Classification: Uncertain significance for Cardiovascular phenotype. Last evaluated: 2025-11-07. Review status: criteria provided, single submitter. Criteria: Ambry Variant Classification Scheme 2023. Collection method: clinical testing. Allele origin: germline.
Comment: The p.E872G variant (also known as c.2615A>G), located in coding exon 10 of the RBM20 gene, results from an A to G substitution at nucleotide position 2615. The glutamic acid at codon 872 is replaced by glycine, an amino acid with similar properties. This amino acid position is conserved. In addition, this alteration is predicted to be tolerated by in silico analysis. Based on the available evidence, the clinical significance of this variant remains unclear.

NM_001134363.3(RBM20):c.2615A>G (p.Glu872Gly)

Gene: RBM20 (RNA binding motif protein 20; plus strand). Cytogenetic location: 10q25.2.
Variant type: single nucleotide variant.
Coding change: c.2615A>G on transcript NM_001134363.3 (MANE Select); coding-DNA position 2615, A replaced by G.
Protein change: p.Glu872Gly; replaces glutamic acid 872 with glycine.
Molecular consequence: missense variant.
Genome position (GRCh38, 1-based): chr10:110,820,136, A>G. VCF-style: chr10-110820136-A-G. GRCh37 (hg19) VCF-style: chr10-112579894-A-G.
Other names: short protein forms E872G.
Identifiers: ClinVar variation 4614829 (VCV004614829.1).